The following is an entry in ClinVar:

ClinVar aggregate classification (germline): Uncertain significance. Review status: criteria provided, multiple submitters, no conflicts (2 of 4 stars). 3 submissions from 3 submitters: Uncertain significance (3). Last evaluated 2023-12-27.

Conditions:
Inborn genetic diseases. Identifiers: MedGen C0950123, MeSH D030342.
Joubert syndrome 18 (JBTS18). Identifiers: Orphanet 2754, MedGen C3553758, MONDO:0013896, OMIM 614815.
Orofacial-digital syndrome IV (OFD4). Also called: MOHR-MAJEWSKI SYNDROME; Orofaciodigital syndrome IV; BARAITSER-BURN SYNDROME; OFD SYNDROME WITH TIBIAL DEFECTS; OFD SYNDROME, BARAITSER-BURN TYPE; OFDS IV. Identifiers: Orphanet 2753, MedGen C0406727, MONDO:0009794, OMIM 258860.

Allele frequency attached by ClinVar (database versions not stated): gnomAD 0.00001; TOPMed 0.00002; ESP Exome Variant Server 0.00008.
gnomAD v4.1: 18 of 1,613,880 alleles (0.0011%); highest among the groups gnomAD compares: Admixed American, 0.0017%; no homozygotes.

Submissions (3):

Fulgent Genetics
Classification: Uncertain significance for Orofacial-digital syndrome IV; Joubert syndrome 18. Last evaluated: 2023-12-27. Review status: criteria provided, single submitter. Criteria: ACMG Guidelines, 2015. Collection method: clinical testing. Allele origin: germline.

Ambry Genetics
Classification: Uncertain significance for Inborn genetic diseases. Last evaluated: 2022-10-06. Review status: criteria provided, single submitter. Criteria: Ambry Variant Classification Scheme 2023. Collection method: clinical testing. Allele origin: germline.

Labcorp Genetics (formerly Invitae), Labcorp
Classification: Uncertain significance for Joubert syndrome 18; Orofacial-digital syndrome IV. Last evaluated: 2022-04-23. Review status: criteria provided, single submitter. Criteria: Invitae Variant Classification Sherloc (09022015). Collection method: clinical testing. Allele origin: germline.
Comment: This sequence change replaces valine, which is neutral and non-polar, with glycine, which is neutral and non-polar, at codon 424 of the TCTN3 protein (p.Val424Gly). This variant is present in population databases (rs200705429, gnomAD 0.004%). This variant has not been reported in the literature in individuals affected with TCTN3-related conditions. ClinVar contains an entry for this variant (Variation ID: 473271). Algorithms developed to predict the effect of missense changes on protein structure and function (SIFT, PolyPhen-2, Align-GVGD) all suggest that this variant is likely to be tolerated. In summary, the available evidence is currently insufficient to determine the role of this variant in disease. Therefore, it has been classified as a Variant of Uncertain Significance.

NM_015631.6(TCTN3):c.1271T>G (p.Val424Gly)

Gene: TCTN3 (tectonic family member 3; minus strand). Cytogenetic location: 10q24.1.
Variant type: single nucleotide variant.
Coding change: c.1271T>G on transcript NM_015631.6 (MANE Select); coding-DNA position 1271, T replaced by G.
Protein change: p.Val424Gly; replaces valine 424 with glycine.
Molecular consequence: missense variant.
Genome position (GRCh38, 1-based): chr10:95,683,128, A>C on the plus strand (T>G on the coding strand, the complement: TCTN3 is on the minus strand). VCF-style: chr10-95683128-A-C. GRCh37 (hg19) VCF-style: chr10-97442885-A-C.
Other names: c.827T>G, p.Val276Gly (NM_001143973.2); short protein forms V424G, V276G.
Identifiers: ClinVar variation 473271 (VCV000473271.5), dbSNP rs200705429, ClinGen allele CA5620884.